The following is an entry in ClinVar:

ClinVar aggregate classification (germline): Uncertain significance. Review status: criteria provided, multiple submitters, no conflicts (2 of 4 stars). 5 submissions from 5 submitters: Uncertain significance (5). Last evaluated 2024-10-17.

Conditions:
Hereditary nonpolyposis colorectal neoplasms. Identifiers: MedGen C0009405, MeSH D003123.
Hereditary cancer-predisposing syndrome. Also called: Neoplastic Syndromes, Hereditary; Hereditary Cancer Syndrome; Tumor predisposition; Hereditary neoplastic syndrome. Identifiers: Orphanet 140162, MedGen C0027672, MeSH D009386, MONDO:0015356.
Lynch syndrome. Identifiers: Orphanet 144, MedGen C4552100, MONDO:0005835. Disease mechanism: loss of function.
Lynch syndrome 5 (LYNCH5). Also called: Colorectal cancer, hereditary nonpolyposis, type 5; Hereditary non-polyposis colorectal cancer, type 5. Identifiers: Orphanet 144, MedGen C1833477, MONDO:0013710, OMIM 614350. Disease mechanism: loss of function.
Endometrial carcinoma. Also called: Endometrial carcinoma, somatic. Identifiers: MedGen C0476089, MONDO:0002447, OMIM 608089, HP:0012114.

Submissions (5):

Ambry Genetics
Classification: Uncertain significance for Hereditary cancer-predisposing syndrome. Last evaluated: 2024-10-17. Review status: criteria provided, single submitter. Criteria: Ambry Variant Classification Scheme 2023. Collection method: clinical testing. Allele origin: germline.
Comment: The p.T1284R variant (also known as c.3851C>G), located in coding exon 9 of the MSH6 gene, results from a C to G substitution at nucleotide position 3851. The threonine at codon 1284 is replaced by arginine, an amino acid with similar properties. This amino acid position is highly conserved in available vertebrate species. In addition, this alteration is predicted to be deleterious by in silico analysis. Based on the available evidence, the clinical significance of this variant remains unclear.

Baylor Genetics
Classification: Uncertain significance for Endometrial carcinoma. Last evaluated: 2024-03-01. Review status: criteria provided, single submitter. Criteria: ACMG Guidelines, 2015. Collection method: clinical testing. Allele origin: unknown.

All of Us Research Program, National Institutes of Health
Classification: Uncertain significance for Lynch syndrome. Last evaluated: 2023-12-01. Review status: criteria provided, single submitter. Criteria: ACMG Guidelines, 2015. Collection method: clinical testing. Allele origin: germline. Inheritance: Autosomal dominant inheritance. Observed: 1 variant allele, 1 heterozygote.
Comment: This study involves interpretation of variants in research participants for the purpose of population health screening. Participant phenotype was not available at the time of variant classification. Additional details can be found in publication PMID: 35346344, PMCID: PMC8962531

Labcorp Genetics (formerly Invitae), Labcorp
Classification: Uncertain significance for Hereditary nonpolyposis colorectal neoplasms. Last evaluated: 2018-06-19. Review status: criteria provided, single submitter. Criteria: Invitae Variant Classification Sherloc (09022015). Collection method: clinical testing. Allele origin: germline.
Comment: This variant is not present in population databases (ExAC no frequency). This sequence change replaces threonine with arginine at codon 1284 of the MSH6 protein (p.Thr1284Arg). The threonine residue is highly conserved and there is a moderate physicochemical difference between threonine and arginine. This variant has not been reported in the literature in individuals with MSH6-related disease. In summary, the available evidence is currently insufficient to determine the role of this variant in disease. Therefore, it has been classified as a Variant of Uncertain Significance. Algorithms developed to predict the effect of missense changes on protein structure and function (SIFT, PolyPhen-2, Align-GVGD) all suggest that this variant is likely to be disruptive, but these predictions have not been confirmed by published functional studies and their clinical significance is uncertain.

Illumina Laboratory Services, Illumina
Classification: Uncertain significance for Lynch syndrome 5. Last evaluated: 2017-04-28. Review status: criteria provided, single submitter. Criteria: ICSL Variant Classification Criteria 13 December 2019. Collection method: clinical testing. Allele origin: germline.

NM_000179.3(MSH6):c.3851C>G (p.Thr1284Arg)

Gene: MSH6 (mutS homolog 6; plus strand). Cytogenetic location: 2p16.3.
Variant type: single nucleotide variant.
Coding change: c.3851C>G on transcript NM_000179.3 (MANE Select); coding-DNA position 3851, C replaced by G.
Protein change: p.Thr1284Arg; replaces threonine 1284 with arginine.
Molecular consequence: missense variant.
Genome position (GRCh38, 1-based): chr2:47,806,501, C>G. VCF-style: chr2-47806501-C-G. GRCh37 (hg19) VCF-style: chr2-48033640-C-G.
Other names: c.3461C>G, p.Thr1154Arg (NM_001281492.2); c.2945C>G, p.Thr982Arg (NM_001281493.2, NM_001281494.2); short protein forms T1284R, T982R, T1154R.
Identifiers: ClinVar variation 573099 (VCV000573099.15), dbSNP rs63750836, ClinGen allele CA346761312.